The following is an entry in ClinVar:

ClinVar aggregate classification (germline): Likely benign. Review status: criteria provided, multiple submitters, no conflicts (2 of 4 stars). 2 submissions from 2 submitters: Likely benign (2). Last evaluated 2025-03-01.

Conditions:
Early-infantile DEE. Also called: Early infantile epileptic encephalopathy; Ohtahara syndrome; Early infantile epileptic encephalopathy with suppression bursts. Identifiers: Orphanet 1934, MedGen C0393706, MONDO:0800491.

Allele frequency attached by ClinVar (database versions not stated): gnomAD 0.00001; gnomAD exomes 0.00001 and 0.00005; TOPMed 0.00003; ExAC 0.00005.
gnomAD v4.1: 20 of 1,613,312 alleles (0.0012%); highest among the groups gnomAD compares: East Asian, 0.042%; no homozygotes.

Submissions (2):

CeGaT Center for Human Genetics Tuebingen
Classification: Likely benign. Last evaluated: 2025-03-01. Review status: criteria provided, single submitter. Criteria: CeGaT Center For Human Genetics Tuebingen Variant Classification Criteria Version 2. Collection method: clinical testing. Allele origin: germline. Affected: yes. Observed: 1 variant allele.
Comment: SCN8A: BP4, BP7

Labcorp Genetics (formerly Invitae), Labcorp
Classification: Likely benign for Early-infantile DEE. Last evaluated: 2024-10-30. Review status: criteria provided, single submitter. Criteria: Invitae Variant Classification Sherloc (09022015). Collection method: clinical testing. Allele origin: germline.

NM_001330260.2(SCN8A):c.3183G>A (p.Lys1061=)

Gene: SCN8A (sodium voltage-gated channel alpha subunit 8; plus strand). Cytogenetic location: 12q13.13.
Variant type: single nucleotide variant.
Coding change: c.3183G>A on transcript NM_001330260.2 (MANE Select); coding-DNA position 3183, G replaced by A.
Protein change: p.Lys1061=; no amino-acid change (lysine 1061 retained).
Molecular consequence: synonymous variant.
Genome position (GRCh38, 1-based): chr12:51,769,146, G>A. VCF-style: chr12-51769146-G-A. GRCh37 (hg19) VCF-style: chr12-52162930-G-A.
Other names: c.3183G>A, p.Lys1061= (NM_001177984.3, NM_001369788.1, NM_014191.4).
Identifiers: ClinVar variation 461336 (VCV000461336.16), dbSNP rs749118803, ClinGen allele CA6571557.